The following is an entry in ClinVar:

ClinVar aggregate classification (germline): Uncertain significance (1 of 4 stars; one submission).

Submission:

Greenwood Genetic Center Diagnostic Laboratories, Greenwood Genetic Center
Classification: Uncertain significance. Last evaluated: 2025-04-08. Review status: criteria provided, single submitter. Criteria: ACMG Guidelines, 2015. Collection method: clinical testing. Allele origin: germline. Affected: yes.
Comment: PM2, BP4, PP2

NM_005826.5(HNRNPR):c.460A>G (p.Ser154Gly)

Gene: HNRNPR (heterogeneous nuclear ribonucleoprotein R; minus strand). Cytogenetic location: 1p36.12.
Variant type: single nucleotide variant.
Coding change: c.460A>G on transcript NM_005826.5 (MANE Select); coding-DNA position 460, A replaced by G.
Protein change: p.Ser154Gly; replaces serine 154 with glycine.
Molecular consequence: missense variant. On other transcripts: intron variant (2).
Genome position (GRCh38, 1-based): chr1:23,333,556, T>C on the plus strand (A>G on the coding strand, the complement: HNRNPR is on the minus strand). VCF-style: chr1-23333556-T-C. GRCh37 (hg19) VCF-style: chr1-23660049-T-C.
Other names: c.157A>G, p.Ser53Gly (NM_001102397.3, NM_001102399.3, NM_001297621.2); c.460A>G, p.Ser154Gly (NM_001102398.3, NM_001437727.1, NM_001438564.1); c.81+4198A>G (NM_001297622.2); c.384+4198A>G (NM_001297620.2); short protein forms S154G, S53G.
Identifiers: ClinVar variation 4538226 (VCV004538226.1).